The following is an entry in ClinVar:

NM_000399.5(EGR2):c.182A>G (p.Asn61Ser)

Gene: EGR2 (early growth response 2; minus strand). Cytogenetic location: 10q21.3.
Variant type: single nucleotide variant.
Coding change: c.182A>G on transcript NM_000399.5 (MANE Select); coding-DNA position 182, A replaced by G.
Protein change: p.Asn61Ser; replaces asparagine 61 with serine.
Molecular consequence: missense variant.
Genome position (GRCh38, 1-based): chr10:62,814,456, T>C on the plus strand (A>G on the coding strand, the complement: EGR2 is on the minus strand). VCF-style: chr10-62814456-T-C. GRCh37 (hg19) VCF-style: chr10-64574216-T-C.
Other names: p.Asn61Ser; c.182A>G, p.Asn61Ser (NM_001136177.3, NM_001136178.2); c.32A>G, p.Asn11Ser (NM_001136179.3, NM_001321037.2); c.221A>G, p.Asn74Ser (NM_001410931.1); short protein forms N11S, N61S, N74S.
Identifiers: ClinVar variation 2177193 (VCV002177193.5), dbSNP rs1218110800, ClinGen allele CA377032608.
Genomic context (GRCh38, chr10:62,814,456, plus strand): 5'-GGAGCAAAGCTGCTGGGATATGGGAGATCCAACGACCTCTTCTCTCCAGTCATGTCAATG[T>C]TGATCATGCCATCTGGGGAGGGGAAAGGCAGAATGGAGGTGGAACAATGAAAATACAGCC-3'
Protein context (NP_000390.2, residues 51-71): MNGVAGDGMI[Asn61Ser]IDMTGEKRSL

ClinVar aggregate classification (germline): Uncertain significance. Review status: criteria provided, multiple submitters, no conflicts (2 of 4 stars). 2 submissions from 2 submitters: Uncertain significance (2). Last evaluated 2024-09-24.

Conditions:
Charcot-Marie-Tooth disease, type I (CMT1). Also called: Charcot-Marie-Tooth disease type 1; Charcot-Marie-Tooth, Type 1. Identifiers: Orphanet 65753, MedGen C0751036, MONDO:0019011.

Allele frequency attached by ClinVar (database versions not stated): gnomAD exomes below 0.00001; TOPMed below 0.00001.

Submissions (2):

Labcorp Genetics (formerly Invitae), Labcorp
Classification: Uncertain significance for Charcot-Marie-Tooth disease, type I. Last evaluated: 2024-09-24. Review status: criteria provided, single submitter. Criteria: Invitae Variant Classification Sherloc (09022015). Collection method: clinical testing. Allele origin: germline.
Comment: This sequence change replaces asparagine, which is neutral and polar, with serine, which is neutral and polar, at codon 61 of the EGR2 protein (p.Asn61Ser). This variant is not present in population databases (gnomAD no frequency). This variant has not been reported in the literature in individuals affected with EGR2-related conditions. ClinVar contains an entry for this variant (Variation ID: 2177193). Invitae Evidence Modeling of protein sequence and biophysical properties (such as structural, functional, and spatial information, amino acid conservation, physicochemical variation, residue mobility, and thermodynamic stability) indicates that this missense variant is not expected to disrupt EGR2 protein function with a negative predictive value of 80%. In summary, the available evidence is currently insufficient to determine the role of this variant in disease. Therefore, it has been classified as a Variant of Uncertain Significance.

Mayo Clinic Laboratories, Mayo Clinic
Classification: Uncertain significance. Last evaluated: 2023-09-21. Review status: criteria provided, single submitter. Criteria: ACMG Guidelines, 2015. Collection method: clinical testing. Allele origin: germline. Observed: 1 variant allele.
Comment: BP4, PM2_moderate